The following is an entry in ClinVar:

NM_004656.4(BAP1):c.1564C>G (p.Pro522Ala)

Gene: BAP1 (BRCA1 associated deubiquitinase 1; minus strand). Cytogenetic location: 3p21.1.
Variant type: single nucleotide variant.
Coding change: c.1564C>G on transcript NM_004656.4 (MANE Select); coding-DNA position 1564, C replaced by G.
Protein change: p.Pro522Ala; replaces proline 522 with alanine.
Molecular consequence: missense variant.
Genome position (GRCh38, 1-based): chr3:52,403,581, G>C on the plus strand (C>G on the coding strand, the complement: BAP1 is on the minus strand). VCF-style: chr3-52403581-G-C. GRCh37 (hg19) VCF-style: chr3-52437597-G-C.
Other names: c.1510C>G, p.Pro504Ala (NM_001410772.1); short protein forms P522A, P504A.
Identifiers: ClinVar variation 1775333 (VCV001775333.2), dbSNP rs2471328126, ClinGen allele CA353100660.
Genomic context (GRCh38, chr3:52,403,581, plus strand): 5'-CAACACGCAGCAGGCTGTCATCCTCTCCAAAAAGCACCTTGGAGATGTGGGAGGTGACAG[G>C]GCTGGAGGGCCGCGTCGGGTTGGCTGAGCGGATAGGCGAGCGCAGTGGCGAGTTGAAAGC-3'
Protein context (NP_004647.1, residues 512-532): RSANPTRPSS[Pro522Ala]VTSHISKVLF

ClinVar aggregate classification (germline): Uncertain significance (1 of 4 stars; one submission).

Conditions:
Hereditary cancer-predisposing syndrome. Also called: Hereditary Cancer Syndrome; Hereditary neoplastic syndrome; Neoplastic Syndromes, Hereditary; Tumor predisposition. Identifiers: Orphanet 140162, MedGen C0027672, MeSH D009386, MONDO:0015356.

Submission:

Ambry Genetics
Classification: Uncertain significance for Hereditary cancer-predisposing syndrome. Last evaluated: 2022-07-29. Review status: criteria provided, single submitter. Criteria: Ambry Variant Classification Scheme 2023. Collection method: clinical testing. Allele origin: germline.
Comment: The p.P522A variant (also known as c.1564C>G), located in coding exon 13 of the BAP1 gene, results from a C to G substitution at nucleotide position 1564. The proline at codon 522 is replaced by alanine, an amino acid with highly similar properties. This amino acid position is conserved. In addition, the in silico prediction for this alteration is inconclusive. Since supporting evidence is limited at this time, the clinical significance of this alteration remains unclear.